The following is an entry in ClinVar:

ClinVar aggregate classification (germline): Pathogenic (1 of 4 stars; one submission).

Submission:

Labcorp Genetics (formerly Invitae), Labcorp
Classification: Pathogenic. Last evaluated: 2022-09-14. Review status: criteria provided, single submitter. Criteria: Invitae Variant Classification Sherloc (09022015). Collection method: clinical testing. Allele origin: germline.
Comment: This sequence change creates a premature translational stop signal (p.Arg107Thrfs*15) in the DYNC2LI1 gene. It is expected to result in an absent or disrupted protein product. Loss-of-function variants in DYNC2LI1 are known to be pathogenic (PMID: 26077881, 26130459). This variant is not present in population databases (gnomAD no frequency). This variant has not been reported in the literature in individuals affected with DYNC2LI1-related conditions. For these reasons, this variant has been classified as Pathogenic.

Literature cited by the submitters: PubMed 26077881; PubMed 26130459.

NM_016008.4(DYNC2LI1):c.318dup (p.Arg107fs)

Gene: DYNC2LI1 (dynein cytoplasmic 2 light intermediate chain 1; plus strand). Cytogenetic location: 2p21.
Variant type: Duplication.
Coding change: c.318dup on transcript NM_016008.4 (MANE Select); coding-DNA position 318, one base duplicated (A; older notation c.318dupA).
Protein change: p.Arg107fs; shifts the reading frame from arginine 107.
Molecular consequence: frameshift variant.
Genome position (GRCh38, 1-based): chr2:43,789,719, A duplicated. VCF-style (leftmost placement, unchanged base first): chr2-43789718-T-TA. GRCh37 (hg19) VCF-style: chr2-44016857-T-TA.
Other names: c.318dup, p.Arg107fs (NM_001193464.2, NM_001348912.2, NM_001348913.2 and 1 more transcripts); short protein forms R107fs.
Identifiers: ClinVar variation 2030462 (VCV002030462.4), dbSNP rs2467047424, ClinGen allele CA2580066464.